The following is an entry in ClinVar:

ClinVar aggregate classification (germline): Pathogenic (1 of 4 stars; one submission).

Conditions:
Duchenne muscular dystrophy (DMD). Also called: Duchenne Muscular Dystrophy (DMD); MUSCULAR DYSTROPHY, PSEUDOHYPERTROPHIC PROGRESSIVE, DUCHENNE TYPE. Identifiers: Orphanet 98896, MedGen C0013264, MONDO:0010679, OMIM 310200.

Submission:

Labcorp Genetics (formerly Invitae), Labcorp
Classification: Pathogenic for Duchenne muscular dystrophy. Last evaluated: 2021-06-19. Review status: criteria provided, single submitter. Criteria: Invitae Variant Classification Sherloc (09022015). Collection method: clinical testing. Allele origin: germline.
Comment: This sequence change creates a premature translational stop signal (p.Gln1472Lysfs*4) in the DMD gene. It is expected to result in an absent or disrupted protein product. Loss-of-function variants in DMD are known to be pathogenic (PMID: 16770791, 25007885). This variant is not present in population databases (ExAC no frequency). This variant has not been reported in the literature in individuals with DMD-related conditions. For these reasons, this variant has been classified as Pathogenic.

Literature cited by the submitters: PubMed 16770791; PubMed 25007885.

NM_004006.3(DMD):c.4413_4416del (p.Gln1472fs)

Gene: DMD (dystrophin; minus strand). Cytogenetic location: Xp21.1.
Variant type: Deletion.
Coding change: c.4413_4416del on transcript NM_004006.3 (MANE Select); coding-DNA positions 4413 to 4416, 4 bases deleted (ACAA; older notation c.4413_4416delACAA).
Protein change: p.Gln1472fs; shifts the reading frame from glutamine 1472.
Molecular consequence: frameshift variant.
Genome position (GRCh38, 1-based): chrX:32,389,603-32,389,606, TTGT deleted on the plus strand (ACAA on the coding strand, the reverse complement: DMD is on the minus strand). VCF-style (leftmost placement, unchanged base first): chrX-32389602-CTTGT-C. GRCh37 (hg19) VCF-style: chrX-32407719-CTTGT-C.
Other names: c.4389_4392del, p.Gln1464fs (NM_000109.4); c.4401_4404del, p.Gln1468fs (NM_004009.3); c.4044_4047del, p.Gln1349fs (NM_004010.3); c.390_393del, p.Gln131fs (NM_004011.4); c.381_384del, p.Gln128fs (NM_004012.4); short protein forms Q128fs, Q1468fs, Q1472fs, Q131fs, Q1349fs, Q1464fs.
Identifiers: ClinVar variation 1456985 (VCV001456985.6), dbSNP rs2147612475, ClinGen allele CA2573158676.